The following is an entry in ClinVar:

ClinVar aggregate classification (germline): Uncertain significance (1 of 4 stars; one submission).

Conditions:
Leigh syndrome (NULS). Also called: Leigh's necrotizing encephalopathy; Leigh's disease; Leigh Syndrome (mtDNA deletion); Leigh Disease; Subacute necrotizing encephalopathy; Necrotizing encephalopathy infantile subacute of Leigh. Identifiers: Orphanet 506, MedGen C2931891, MONDO:0009723, OMIM 256000.

Submission:

Wong Mito Lab, Molecular and Human Genetics, Baylor College of Medicine
Classification: Uncertain significance for Leigh syndrome. Last evaluated: 2019-10-17. Review status: criteria provided, single submitter. Criteria: Modified ACMG Guidelines (Unpublished). Collection method: clinical testing. Allele origin: germline.
Comment: The NC_012920.1:m.10492T>C (YP_003024034.1:p.Ile8Thr) variant in MTND4L gene is interpretated to be a Uncertain Significance variant based on the modified ACMG guidelines (unpublished). This variant meets the following evidence codes: PP7, BP4

NC_012920.1(MT-ND4L):m.10492T>C

Gene: MT-ND4L (mitochondrially encoded NADH dehydrogenase 4L; plus strand).
Variant type: single nucleotide variant.
Genome position: chrM-10492-T-C.
Identifiers: ClinVar variation 693292 (VCV000693292.1), dbSNP rs1603222857, ClinGen allele CA414805556.
Genomic context (GRCh38, chrMT:10,492, plus strand): 5'-ATTTCGACTCATTAAATTATGATAATCATATTTACCAAATGCCCCTCATTTACATAAATA[T>C]TATACTAGCATTTACCATCTCACTTCTAGGAATACTAGTATATCGCTCACACCTCATATC-3'